The following is an entry in ClinVar:

NC_000009.11:g.(?_75231331)_(75407288_?)del

Gene: TMC1 (transmembrane channel like 1; plus strand). Cytogenetic location: 9q21.13.
Variant type: Deletion.
Identifiers: ClinVar variation 2427247 (VCV002427247.4).

ClinVar aggregate classification (germline): Pathogenic (1 of 4 stars; one submission).

Submission:

Labcorp Genetics (formerly Invitae), Labcorp
Classification: Pathogenic. Last evaluated: 2023-05-21. Review status: criteria provided, single submitter. Criteria: Invitae Variant Classification Sherloc (09022015). Collection method: clinical testing. Allele origin: germline.
Comment: For these reasons, this variant has been classified as Pathogenic. This variant has not been reported in the literature in individuals affected with TMC1-related conditions. This variant is a gross deletion of the genomic region encompassing exon(s) 3-17 of the TMC1 gene, which includes the initiator codon. This deletion extends beyond the assayed region for this gene and therefore may encompass additional genes. It is expected to result in an absent or disrupted protein product. Loss-of-function variants in TMC1 are known to be pathogenic (PMID: 11850618, 22105175).

Literature cited by the submitters: PubMed 11850618; PubMed 22105175.